The following is an entry in ClinVar:

NM_000337.6(SGCD):c.790T>C (p.Cys264Arg)

Gene: SGCD (sarcoglycan delta; plus strand). Cytogenetic location: 5q33.3.
Variant type: single nucleotide variant.
Coding change: c.790T>C on transcript NM_000337.6 (MANE Select); coding-DNA position 790, T replaced by C.
Protein change: p.Cys264Arg; replaces cysteine 264 with arginine.
Molecular consequence: missense variant.
Genome position (GRCh38, 1-based): chr5:156,759,307, T>C. VCF-style: chr5-156759307-T-C. GRCh37 (hg19) VCF-style: chr5-156186318-T-C.
Other names: c.787T>C, p.Cys263Arg (NM_001128209.2); short protein forms C264R, C263R.
Identifiers: ClinVar variation 1353617 (VCV001353617.6), dbSNP rs2113186659, ClinGen allele CA362009527.

ClinVar aggregate classification (germline): Uncertain significance (1 of 4 stars; one submission).

Conditions:
Autosomal recessive limb-girdle muscular dystrophy type 2F (LGMDR6). Also called: Muscular dystrophy limb-girdle with delta-sarcoglyan deficiency; MUSCULAR DYSTROPHY, LIMB-GIRDLE, AUTOSOMAL RECESSIVE 6. Identifiers: Orphanet 219, MedGen C1832525, MONDO:0011028, OMIM 601287. Disease mechanism: Affects gamma-sarcoglycan and also disrupts the integrity of the entire sarcoglycan complex..

Allele frequency attached by ClinVar (database versions not stated): gnomAD exomes below 0.00001.
gnomAD v4.1: 1 of 1,613,702 alleles (0.000062%); no homozygotes.

Submission:

Labcorp Genetics (formerly Invitae), Labcorp
Classification: Uncertain significance for Autosomal recessive limb-girdle muscular dystrophy type 2F. Last evaluated: 2021-10-09. Review status: criteria provided, single submitter. Criteria: Invitae Variant Classification Sherloc (09022015). Collection method: clinical testing. Allele origin: germline.
Comment: This sequence change replaces cysteine with arginine at codon 264 of the SGCD protein (p.Cys264Arg). The cysteine residue is highly conserved and there is a large physicochemical difference between cysteine and arginine. This variant is not present in population databases (ExAC no frequency). This variant has not been reported in the literature in individuals affected with SGCD-related conditions. Algorithms developed to predict the effect of missense changes on protein structure and function are either unavailable or do not agree on the potential impact of this missense change (SIFT: "Deleterious"; PolyPhen-2: "Probably Damaging"; Align-GVGD: "Class C0"). In summary, the available evidence is currently insufficient to determine the role of this variant in disease. Therefore, it has been classified as a Variant of Uncertain Significance.